The following is an entry in ClinVar:

ClinVar aggregate classification (germline): Uncertain significance (1 of 4 stars; one submission).

Conditions:
TCF20-related disorder. Also called: TCF20-related condition.

Submission:

PreventionGenetics, part of Exact Sciences
Classification: Uncertain significance for TCF20-related condition. Last evaluated: 2025-09-14. Review status: criteria provided, single submitter. Criteria: ACMG Guidelines, 2015. Collection method: clinical testing. Allele origin: germline.
Comment: The TCF20 c.394A>G variant is predicted to result in the amino acid substitution p.Ser132Gly. To our knowledge, this variant has not been reported in the literature or in a large population database (gnomAD), indicating this variant is rare. At this time, the clinical significance of this variant is uncertain due to the absence of conclusive functional and genetic evidence.

NM_001378418.1(TCF20):c.394A>G (p.Ser132Gly)

Gene: TCF20 (transcription factor 20; minus strand). Cytogenetic location: 22q13.2.
Variant type: single nucleotide variant.
Coding change: c.394A>G on transcript NM_001378418.1 (MANE Select); coding-DNA position 394, A replaced by G.
Protein change: p.Ser132Gly; replaces serine 132 with glycine.
Molecular consequence: missense variant.
Genome position (GRCh38, 1-based): chr22:42,214,912, T>C on the plus strand (A>G on the coding strand, the complement: TCF20 is on the minus strand). VCF-style: chr22-42214912-T-C. GRCh37 (hg19) VCF-style: chr22-42610918-T-C.
Other names: c.394A>G, p.Ser132Gly (NM_005650.4, NM_181492.3); short protein forms S132G.
Identifiers: ClinVar variation 4993364 (VCV004993364.1).